The following is an entry in ClinVar:

ClinVar aggregate classification (germline): Benign/Likely benign. Review status: criteria provided, multiple submitters, no conflicts (2 of 4 stars). 3 submissions from 3 submitters: Benign (1); Likely benign (2). Last evaluated 2024-07-24.

Conditions:
Hereditary cancer-predisposing syndrome. Also called: Tumor predisposition; Hereditary Cancer Syndrome; Neoplastic Syndromes, Hereditary; Hereditary neoplastic syndrome. Identifiers: Orphanet 140162, MedGen C0027672, MeSH D009386, MONDO:0015356.
Familial cancer of breast. Also called: BREAST CANCER, FAMILIAL; Hereditary breast cancer; hereditary breast carcinoma. Identifiers: Orphanet 227535, MedGen C0346153, MONDO:0016419, OMIM 114480. Disease mechanism: loss of function.

Submissions (3):

Myriad Genetics, Inc.
Classification: Benign for Familial cancer of breast. Last evaluated: 2024-07-24. Review status: criteria provided, single submitter. Criteria: Myriad Autosomal Dominant, Autosomal Recessive and X-Linked Classification Criteria (2023). Collection method: clinical testing. Allele origin: unknown.
Comment: This variant is considered benign. This variant is a silent/synonymous amino acid change and it is not expected to impact splicing.

Ambry Genetics
Classification: Likely benign for Hereditary cancer-predisposing syndrome. Last evaluated: 2019-07-14. Review status: criteria provided, single submitter. Criteria: Ambry Variant Classification Scheme 2023. Collection method: clinical testing. Allele origin: germline.

Labcorp Genetics (formerly Invitae), Labcorp
Classification: Likely benign for Familial cancer of breast. Last evaluated: 2019-04-24. Review status: criteria provided, single submitter. Criteria: Invitae Variant Classification Sherloc (09022015). Collection method: clinical testing. Allele origin: germline.

NM_000465.4(BARD1):c.1056G>T (p.Val352=)

Gene: BARD1 (BRCA1 associated RING domain 1; minus strand). Cytogenetic location: 2q35.
Variant type: single nucleotide variant.
Coding change: c.1056G>T on transcript NM_000465.4 (MANE Select); coding-DNA position 1056, G replaced by T.
Protein change: p.Val352=; no amino-acid change (valine 352 retained).
Molecular consequence: synonymous variant. On other transcripts: non-coding transcript variant (2), intron variant (3).
Genome position (GRCh38, 1-based): chr2:214,780,818, C>A on the plus strand (G>T on the coding strand, the complement: BARD1 is on the minus strand). VCF-style: chr2-214780818-C-A. GRCh37 (hg19) VCF-style: chr2-215645542-C-A.
Other names: c.999G>T, p.Val333= (NM_001282543.2); c.159-28263G>T (NM_001282548.2); c.215+16243G>T (NM_001282545.2); c.364+11479G>T (NM_001282549.2).
Identifiers: ClinVar variation 1110139 (VCV001110139.13), dbSNP rs768469265, ClinGen allele CA431390537.